The following is an entry in ClinVar:

ClinVar aggregate classification (germline): Conflicting classifications of pathogenicity. Review status: criteria provided, conflicting classifications (1 of 4 stars). 4 submissions from 4 submitters: Uncertain significance (1); Likely benign (3). Last evaluated 2026-05-03.

Conditions:
COG7 congenital disorder of glycosylation (CDG2E). Also called: CONGENITAL DISORDER OF GLYCOSYLATION, TYPE IIe; CDG IIe. Identifiers: Orphanet 79333, MedGen C2931010, MONDO:0012118, OMIM 608779.
COG7-related disorder. Also called: COG7-related condition.

Allele frequency attached by ClinVar (database versions not stated): 1000 Genomes Project 30x 0.00031; 1000 Genomes Project 0.00040; gnomAD 0.00014 and 0.00015; TOPMed 0.00030.
gnomAD v4.1: 190 of 1,614,210 alleles (0.012%); highest among the groups gnomAD compares: East Asian, 0.31%; no homozygotes.

Submissions (4):

PreventionGenetics, part of Exact Sciences
Classification: Likely benign for COG7-related condition. Last evaluated: 2026-05-03. Review status: criteria provided, single submitter. Criteria: ACMG Guidelines, 2015. Collection method: clinical testing. Allele origin: germline.
Comment: This variant is classified as likely benign based on ACMG/AMP sequence variant interpretation guidelines (Richards et al. 2015 PMID: 25741868, with internal and published modifications).

Labcorp Genetics (formerly Invitae), Labcorp
Classification: Likely benign for COG7 congenital disorder of glycosylation. Last evaluated: 2026-01-25. Review status: criteria provided, single submitter. Criteria: Invitae Variant Classification Sherloc (09022015). Collection method: clinical testing. Allele origin: germline.

Blueprint Genetics
Classification: Likely benign. Last evaluated: 2024-10-08. Review status: criteria provided, single submitter. Criteria: ACMG Guidelines, 2015. Collection method: clinical testing. Allele origin: germline.

Illumina Laboratory Services, Illumina
Classification: Uncertain significance for COG7 congenital disorder of glycosylation. Last evaluated: 2018-01-13. Review status: criteria provided, single submitter. Criteria: ICSL Variant Classification Criteria 13 December 2019. Collection method: clinical testing. Allele origin: germline.

NM_153603.4(COG7):c.904G>A (p.Val302Met)

Gene: COG7 (component of oligomeric golgi complex 7; minus strand). Cytogenetic location: 16p12.2.
Variant type: single nucleotide variant.
Coding change: c.904G>A on transcript NM_153603.4 (MANE Select); coding-DNA position 904, G replaced by A.
Protein change: p.Val302Met; replaces valine 302 with methionine.
Molecular consequence: missense variant.
Genome position (GRCh38, 1-based): chr16:23,424,854, C>T on the plus strand (G>A on the coding strand, the complement: COG7 is on the minus strand). VCF-style: chr16-23424854-C-T. GRCh37 (hg19) VCF-style: chr16-23436175-C-T.
Other names: short protein forms V302M.
Identifiers: ClinVar variation 724610 (VCV000724610.16), dbSNP rs116314856, ClinGen allele CA7961143.
Genomic context (GRCh38, chr16:23,424,854, plus strand): 5'-CGGTGGCGTCGTAGAACTCCAGCAGCCTGGTGAGCTCCTGCTCGGGCCCTGCCCTCTCCA[C>T]GCCGTTGCTGAGGCAGGAGGGCAGCGAGGGCATGAGGGCCCCCAGGGTCTGAATCAGCAG-3'
Protein context (NP_705831.1, residues 292-312): PSLPSCLSNG[Val302Met]ERAGPEQELT